The following is an entry in ClinVar:

ClinVar aggregate classification (germline): Likely pathogenic (1 of 4 stars; one submission).

Submission:

GeneDx
Classification: Likely pathogenic. Last evaluated: 2013-05-14. Review status: criteria provided, single submitter. Criteria: GeneDx Variant Classification (06012015). Collection method: clinical testing. Allele origin: germline. Affected: yes.
Comment: The P3524H missense change in the USH2A gene has not been reported as a pathogenic variant or as a benign polymorphism to our knowledge. The P3524H amino acid substitution is non-conservative with a neutral and non-polar residue (Pro) being replaced by a positively charged and polar residue (His). The loss of a Proline residue with its unique structure may affect the structure of the protein. The residue at which this substitution occurs is well conserved in the usherin protein and belongs to the fibronectin type II-20 domain. According to the Human Gene Mutation Database (HGMD), other missense variants (D3515G, W3521R, G3529S) have been reported in nearby residues in association with Usher syndrome type 2. The P3524H variant was not observed in approximately 6,500 individuals of European and African American ancestry in an external variant database, indicating it is not a common benign variant in these populations. Therefore, the P3524H missense change is a strong candidate for a pathogenic variant, although the possibility that it is a benign polymorphism cannot be excluded.

NM_206933.4(USH2A):c.10571C>A (p.Pro3524His)

Gene: USH2A (usherin; minus strand). Cytogenetic location: 1q41.
Variant type: single nucleotide variant.
Coding change: c.10571C>A on transcript NM_206933.4 (MANE Select); coding-DNA position 10571, C replaced by A.
Protein change: p.Pro3524His; replaces proline 3524 with histidine.
Molecular consequence: missense variant.
Genome position (GRCh38, 1-based): chr1:215,782,752, G>T on the plus strand (C>A on the coding strand, the complement: USH2A is on the minus strand). VCF-style: chr1-215782752-G-T. GRCh37 (hg19) VCF-style: chr1-215956094-G-T.
Other names: short protein forms P3524H.
Identifiers: ClinVar variation 418536 (VCV000418536.2), dbSNP rs1064793288, ClinGen allele CA16617055.
Genomic context (GRCh38, chr1:215,782,752, plus strand): 5'-GAATTTATGGGATTTTGTTATTTGTATTTTAAAGGTATCTCAATACCATTTGATTGTATA[G>T]GTTTTCTCCAGTTTAAGACAATTGTATCTTCAAGATTGTCTATTTTGGTCCACGTAGGGG-3'
Protein context (NP_996816.3, residues 3514-3534): EDTIVLNWRK[Pro3524His]IQSNGPIIYY